The following is an entry in ClinVar:

NM_183357.3(ADCY5):c.1807C>T (p.Arg603Cys)

Gene: ADCY5 (adenylate cyclase 5; minus strand). Cytogenetic location: 3q21.1.
Variant type: single nucleotide variant.
Coding change: c.1807C>T on transcript NM_183357.3 (MANE Select); coding-DNA position 1807, C replaced by T.
Protein change: p.Arg603Cys; replaces arginine 603 with cysteine.
Molecular consequence: missense variant.
Genome position (GRCh38, 1-based): chr3:123,327,758, G>A on the plus strand (C>T on the coding strand, the complement: ADCY5 is on the minus strand). VCF-style: chr3-123327758-G-A. GRCh37 (hg19) VCF-style: chr3-123046605-G-A.
Other names: c.757C>T, p.Arg253Cys (NM_001199642.1); c.1807C>T, p.Arg603Cys (NM_001378259.1); short protein forms R253C, R603C.
Identifiers: ClinVar variation 1370804 (VCV001370804.8), dbSNP rs758401087, ClinGen allele CA2577353.

ClinVar aggregate classification (germline): Uncertain significance (1 of 4 stars; one submission).

Allele frequency attached by ClinVar (database versions not stated): gnomAD exomes 0.00001; TOPMed 0.00001; ExAC 0.00002.
gnomAD v4.1: 6 of 1,613,956 alleles (0.00037%); highest among the groups gnomAD compares: Admixed American, 0.0017%; no homozygotes.

Submission:

Labcorp Genetics (formerly Invitae), Labcorp
Classification: Uncertain significance. Last evaluated: 2021-05-16. Review status: criteria provided, single submitter. Criteria: Invitae Variant Classification Sherloc (09022015). Collection method: clinical testing. Allele origin: germline.
Comment: This sequence change replaces arginine with cysteine at codon 603 of the ADCY5 protein (p.Arg603Cys). The arginine residue is highly conserved and there is a large physicochemical difference between arginine and cysteine. This variant is present in population databases (rs758401087, ExAC 0.01%). This variant has not been reported in the literature in individuals with ADCY5-related conditions. Algorithms developed to predict the effect of missense changes on protein structure and function (SIFT, PolyPhen-2, Align-GVGD) all suggest that this variant is likely to be disruptive, but these predictions have not been confirmed by published functional studies and their clinical significance is uncertain. In summary, the available evidence is currently insufficient to determine the role of this variant in disease. Therefore, it has been classified as a Variant of Uncertain Significance.